The following is an entry in ClinVar:

ClinVar aggregate classification (germline): Uncertain significance. Review status: criteria provided, multiple submitters, no conflicts (2 of 4 stars). 2 submissions from 2 submitters: Uncertain significance (2). Last evaluated 2026-09-25.

Conditions:
COL7A1-related disorder. Also called: COL7A1-related condition; COL7A1- related disorders.

Allele frequency attached by ClinVar (database versions not stated): TOPMed 0.00002.

Submissions (2):

PreventionGenetics, part of Exact Sciences
Classification: Uncertain significance for COL7A1-related condition. Last evaluated: 2026-09-25. Review status: criteria provided, single submitter. Criteria: ACMG Guidelines, 2015. Collection method: clinical testing. Allele origin: germline.
Comment: The COL7A1 c.3433A>G variant is predicted to result in the amino acid substitution p.Met1145Val. To our knowledge, this variant has not been reported in the literature. This variant is reported in 0.00088% of alleles in individuals of European (Non-Finnish) descent in gnomAD. At this time, the clinical significance of this variant is uncertain due to the absence of conclusive functional and genetic evidence.

Labcorp Genetics (formerly Invitae), Labcorp
Classification: Uncertain significance. Last evaluated: 2025-02-15. Review status: criteria provided, single submitter. Criteria: Invitae Variant Classification Sherloc (09022015). Collection method: clinical testing. Allele origin: germline.
Comment: This sequence change replaces methionine, which is neutral and non-polar, with valine, which is neutral and non-polar, at codon 1145 of the COL7A1 protein (p.Met1145Val). This variant is present in population databases (no rsID available, gnomAD 0.0009%). This variant has not been reported in the literature in individuals affected with COL7A1-related conditions. ClinVar contains an entry for this variant (Variation ID: 1913116). Invitae Evidence Modeling of protein sequence and biophysical properties (such as structural, functional, and spatial information, amino acid conservation, physicochemical variation, residue mobility, and thermodynamic stability) indicates that this missense variant is not expected to disrupt COL7A1 protein function with a negative predictive value of 95%. In summary, the available evidence is currently insufficient to determine the role of this variant in disease. Therefore, it has been classified as a Variant of Uncertain Significance.

NM_000094.4(COL7A1):c.3433A>G (p.Met1145Val)

Gene: COL7A1 (collagen type VII alpha 1 chain; minus strand). Cytogenetic location: 3p21.31.
Variant type: single nucleotide variant.
Coding change: c.3433A>G on transcript NM_000094.4 (MANE Select); coding-DNA position 3433, A replaced by G.
Protein change: p.Met1145Val; replaces methionine 1145 with valine.
Molecular consequence: missense variant.
Genome position (GRCh38, 1-based): chr3:48,586,449, T>C on the plus strand (A>G on the coding strand, the complement: COL7A1 is on the minus strand). VCF-style: chr3-48586449-T-C. GRCh37 (hg19) VCF-style: chr3-48623882-T-C.
Other names: short protein forms M1145V.
Identifiers: ClinVar variation 1913116 (VCV001913116.4), dbSNP rs1192271703, ClinGen allele CA352705797.